The following is an entry in ClinVar:

ClinVar aggregate classification (germline): Likely benign (0 of 4 stars; one submission).

Conditions:
TLE6-related disorder. Also called: TLE6-related condition.

Allele frequency attached by ClinVar (database versions not stated): gnomAD 0.00002; TOPMed 0.00004; ExAC 0.00005; gnomAD exomes 0.00006.
gnomAD v4.1: 91 of 1,608,208 alleles (0.0057%); highest among the groups gnomAD compares: Non-Finnish European, 0.007%; no homozygotes.

Submission:

PreventionGenetics, part of Exact Sciences
Classification: Likely benign for TLE6-related condition. Last evaluated: 2019-03-22. Review status: no assertion criteria provided. Collection method: clinical testing. Allele origin: germline.
Comment: This variant is classified as likely benign based on ACMG/AMP sequence variant interpretation guidelines (Richards et al. 2015 PMID: 25741868, with internal and published modifications).

NM_001143986.2(TLE6):c.1584C>T (p.Tyr528=)

Gene: TLE6 (TLE family member 6, subcortical maternal complex member; plus strand). Cytogenetic location: 19p13.3.
Variant type: single nucleotide variant.
Coding change: c.1584C>T on transcript NM_001143986.2 (MANE Select); coding-DNA position 1584, C replaced by T.
Protein change: p.Tyr528=; no amino-acid change (tyrosine 528 retained).
Molecular consequence: synonymous variant.
Genome position (GRCh38, 1-based): chr19:2,994,065, C>T. VCF-style: chr19-2994065-C-T. GRCh37 (hg19) VCF-style: chr19-2994063-C-T.
Other names: c.1215C>T, p.Tyr405= (NM_024760.3).
Identifiers: ClinVar variation 3047110 (VCV003047110.2), dbSNP rs755219460, ClinGen allele CA9073174.
Genomic context (GRCh38, chr19:2,994,065, plus strand): 5'-TCCATTTCTCCCAGGCCAGTGGTGGGCAAGCGTTGGAATGGACGACTTCCTTGGCGTCTA[C>T]AGCATGCCGGCGGGGACAAAAGTGTTCGAGGTACTGCGGTGGGCTGGGGGCAGGACCCGG-3'
Protein context (NP_001137458.1, residues 518-538): SVGMDDFLGV[Tyr528=]SMPAGTKVFE